The following is an entry in ClinVar:

NM_000548.5(TSC2):c.2355+2dup

Gene: TSC2 (TSC complex subunit 2; plus strand). Cytogenetic location: 16p13.3.
Variant type: Duplication.
Coding change: c.2355+2dup on transcript NM_000548.5 (MANE Select); the canonical splice donor site of the intron after coding-DNA position 2355, one base duplicated (T; older notation c.2355+2dupT).
Molecular consequence: splice donor variant.
Genome position (GRCh38, 1-based): chr16:2,072,985, T duplicated. VCF-style (leftmost placement, unchanged base first): chr16-2072984-G-GT. GRCh37 (hg19) VCF-style: chr16-2122985-G-GT.
Other names: c.2244+2dup (NM_001406670.1, NM_001318827.2, NM_001406678.1); c.1755+2dup (NM_001406682.1, NM_001406684.1, NM_001406685.1 and 6 more transcripts); c.2298+2dup (NM_001406677.1); c.2208+2dup (NM_001406675.1, NM_001406676.1, NM_001318829.2 and 1 more transcripts); c.2388+2dup (NM_001318832.2); c.1011+2dup (NM_001406693.1, NM_001406689.1, NM_001406690.1 and 6 more transcripts); c.2445+2dup (NM_001406667.1, NM_001406668.1); c.753+2dup (NM_001406698.1); and 3 more.
Identifiers: ClinVar variation 2564723 (VCV002564723.4), dbSNP rs2543770753, ClinGen allele CA2580612752.
Genomic context (GRCh38, chr16:2,072,984, plus strand): 5'-GTGGTTCCAGTGCTGACAGCATTAATCTCTTACCATAACTACCTGGACAAAACCAAACAG[G>GT]TAGGAGGTCAGAGCAGGACAGGCGAGCTTGATGGGGCCTGGGATTCGAGGGCCTGGCCCA-3'

ClinVar aggregate classification (germline): Uncertain significance. Review status: criteria provided, multiple submitters, no conflicts (2 of 4 stars). 2 submissions from 2 submitters: Uncertain significance (2). Last evaluated 2025-07-01.

Conditions:
Tuberous sclerosis 2 (TSC2). Identifiers: Orphanet 805, MedGen C1860707, MONDO:0013199, OMIM 613254.
Hereditary cancer-predisposing syndrome. Also called: Neoplastic Syndromes, Hereditary; Hereditary Cancer Syndrome; Tumor predisposition; Hereditary neoplastic syndrome. Identifiers: Orphanet 140162, MedGen C0027672, MeSH D009386, MONDO:0015356.

Submissions (2):

Ambry Genetics
Classification: Uncertain significance for Hereditary cancer-predisposing syndrome. Last evaluated: 2025-07-01. Review status: criteria provided, single submitter. Criteria: Ambry Variant Classification Scheme 2023. Collection method: clinical testing. Allele origin: germline.
Comment: The c.2355+2dupT intronic variant, results from a duplication of two nucleotides at nucleotide position 2355 after intron 20 of the TSC2 gene. This nucleotide position is highly conserved in available vertebrate species. In silico splice site analysis for this alteration is inconclusive. Since supporting evidence is limited at this time, the clinical significance of this alteration remains unclear.

Labcorp Genetics (formerly Invitae), Labcorp
Classification: Uncertain significance for Tuberous sclerosis 2. Last evaluated: 2025-05-13. Review status: criteria provided, single submitter. Criteria: Invitae Variant Classification Sherloc (09022015). Collection method: clinical testing. Allele origin: germline.
Comment: This sequence change falls in intron 21 of the TSC2 gene. It does not directly change the encoded amino acid sequence of the TSC2 protein. It affects a nucleotide within the consensus splice site. This variant is not present in population databases (gnomAD no frequency). This variant has not been reported in the literature in individuals affected with TSC2-related conditions. ClinVar contains an entry for this variant (Variation ID: 2564723). Variants that disrupt the consensus splice site are a relatively common cause of aberrant splicing (PMID: 17576681, 9536098). Algorithms developed to predict the effect of sequence changes on RNA splicing suggest that this variant may disrupt the consensus splice site. In summary, the available evidence is currently insufficient to determine the role of this variant in disease. Therefore, it has been classified as a Variant of Uncertain Significance.

Literature cited by the submitters: PubMed 17576681 (cited by Labcorp Genetics (formerly Invitae), Labcorp); PubMed 9536098 (cited by Labcorp Genetics (formerly Invitae), Labcorp).